The following is an entry in ClinVar:

NM_004655.4(AXIN2):c.1282T>C (p.Ser428Pro)

Gene: AXIN2 (axin 2; minus strand). Cytogenetic location: 17q24.1.
Variant type: single nucleotide variant.
Coding change: c.1282T>C on transcript NM_004655.4 (MANE Select); coding-DNA position 1282, T replaced by C.
Protein change: p.Ser428Pro; replaces serine 428 with proline.
Molecular consequence: missense variant.
Genome position (GRCh38, 1-based): chr17:65,537,754, A>G on the plus strand (T>C on the coding strand, the complement: AXIN2 is on the minus strand). VCF-style: chr17-65537754-A-G. GRCh37 (hg19) VCF-style: chr17-63533872-A-G.
Other names: c.1282T>C, p.Ser428Pro (NM_001363813.1); c.1282T>C (LRG_296t1); short protein forms S428P.
Identifiers: ClinVar variation 464533 (VCV000464533.11), dbSNP rs573134328, ClinGen allele CA400677823.

ClinVar aggregate classification (germline): Uncertain significance. Review status: criteria provided, multiple submitters, no conflicts (2 of 4 stars). 2 submissions from 2 submitters: Uncertain significance (2). Last evaluated 2024-01-16.

Conditions:
Oligodontia-cancer predisposition syndrome. Also called: TOOTH AGENESIS-COLORECTAL CANCER SYNDROME. Identifiers: Orphanet 300576, MedGen C1837750, MONDO:0012075, OMIM 608615. Disease mechanism: loss of function.
Hereditary cancer-predisposing syndrome. Also called: Neoplastic Syndromes, Hereditary; Tumor predisposition; Hereditary Cancer Syndrome; Hereditary neoplastic syndrome. Identifiers: Orphanet 140162, MedGen C0027672, MeSH D009386, MONDO:0015356.

gnomAD v4.1: 3 of 1,578,816 alleles (0.00019%); highest among the groups gnomAD compares: Non-Finnish European, 0.00026%; no homozygotes.

Submissions (2):

Labcorp Genetics (formerly Invitae), Labcorp
Classification: Uncertain significance for Oligodontia-cancer predisposition syndrome. Last evaluated: 2024-01-16. Review status: criteria provided, single submitter. Criteria: Invitae Variant Classification Sherloc (09022015). Collection method: clinical testing. Allele origin: germline.
Comment: This sequence change replaces serine, which is neutral and polar, with proline, which is neutral and non-polar, at codon 428 of the AXIN2 protein (p.Ser428Pro). This variant is not present in population databases (gnomAD no frequency). This variant has not been reported in the literature in individuals affected with AXIN2-related conditions. ClinVar contains an entry for this variant (Variation ID: 464533). Advanced modeling of protein sequence and biophysical properties (such as structural, functional, and spatial information, amino acid conservation, physicochemical variation, residue mobility, and thermodynamic stability) performed at Invitae indicates that this missense variant is not expected to disrupt AXIN2 protein function with a negative predictive value of 80%. In summary, the available evidence is currently insufficient to determine the role of this variant in disease. Therefore, it has been classified as a Variant of Uncertain Significance.

Ambry Genetics
Classification: Uncertain significance for Hereditary cancer-predisposing syndrome. Last evaluated: 2022-08-02. Review status: criteria provided, single submitter. Criteria: Ambry Variant Classification Scheme 2023. Collection method: clinical testing. Allele origin: germline.
Comment: The p.S428P variant (also known as c.1282T>C), located in coding exon 5 of the AXIN2 gene, results from a T to C substitution at nucleotide position 1282. The serine at codon 428 is replaced by proline, an amino acid with similar properties. This amino acid position is well conserved in available vertebrate species; however, proline is the reference amino acid in other vertebrate species. In addition, this alteration is predicted to be tolerated by in silico analysis. Since supporting evidence is limited at this time, the clinical significance of this alteration remains unclear.